The following is an entry in ClinVar:

NM_002890.3(RASA1):c.2690+5G>A

Genes: CCNH (cyclin H; minus strand), RASA1 (RAS p21 protein activator 1; plus strand). Cytogenetic location: 5q14.3.
Variant type: single nucleotide variant.
Coding change: c.2690+5G>A on transcript NM_002890.3 (MANE Select); 5 bases into the intron after coding-DNA position 2690, G replaced by A.
Molecular consequence: intron variant.
Genome position (GRCh38, 1-based): chr5:87,380,600, G>A. VCF-style: chr5-87380600-G-A. GRCh37 (hg19) VCF-style: chr5-86676417-G-A.
Other names: c.2159+5G>A (NM_022650.3); c.933+14444C>T (NM_001364075.2).
Identifiers: ClinVar variation 3600373 (VCV003600373.1).

ClinVar aggregate classification (germline): Uncertain significance (1 of 4 stars; one submission).

Conditions:
Capillary malformation-arteriovenous malformation 1 (CMAVM1). Identifiers: Orphanet 137667, Orphanet 693907, MedGen C4747394, MONDO:0020783, OMIM 608354.

Submission:

Clinical Genomics Laboratory, Washington University in St. Louis
Classification: Uncertain significance for Capillary malformation-arteriovenous malformation 1. Last evaluated: 2024-06-05. Review status: criteria provided, single submitter. Criteria: ACMG Guidelines, 2015. Collection method: clinical testing. Allele origin: germline.
Comment: The RASA1 c.2690+5G>A variant, to our knowledge, has not been reported in the medical literature. This variant is absent from the general population (gnomAD v.2.1.1), indicating it is not a common variant. Computational predictors indicate that this variant would alter splicing, evidence that correlates to an impact of this variant RASA1 function. Due to limited information, and based on ACMG/AMP guidelines for variant interpretation (Richards S et al., PMID: 25741868), the clinical significance of this variant is uncertain at this time.